The following is an entry in ClinVar:

ClinVar aggregate classification (germline): Uncertain significance (1 of 4 stars; one submission).

Conditions:
Congenital myotonia, autosomal dominant form (THD). Also called: THOMSEN DISEASE; Myotonia congenita autosomal dominant. Identifiers: Orphanet 614, MedGen C2936781, MONDO:0008055, OMIM 160800.
Congenital myotonia, autosomal recessive form. Also called: BECKER DISEASE; Becker Generalized Myotonia; myotonia congenita, autosomal recessive. Identifiers: Orphanet 614, MedGen C0751360, MONDO:0009715, OMIM 255700.

Submission:

Labcorp Genetics (formerly Invitae), Labcorp
Classification: Uncertain significance for Congenital myotonia, autosomal recessive form; Congenital myotonia, autosomal dominant form. Last evaluated: 2023-04-14. Review status: criteria provided, single submitter. Criteria: Invitae Variant Classification Sherloc (09022015). Collection method: clinical testing. Allele origin: germline.
Comment: This variant is not present in population databases (gnomAD no frequency). This sequence change replaces proline, which is neutral and non-polar, with arginine, which is basic and polar, at codon 282 of the CLCN1 protein (p.Pro282Arg). Advanced modeling of protein sequence and biophysical properties (such as structural, functional, and spatial information, amino acid conservation, physicochemical variation, residue mobility, and thermodynamic stability) performed at Invitae indicates that this missense variant is expected to disrupt CLCN1 protein function. This missense change has been observed in individual(s) with clinical features of myotonia congenita (PMID: 23739125). In summary, the available evidence is currently insufficient to determine the role of this variant in disease. Therefore, it has been classified as a Variant of Uncertain Significance.

Literature cited by the submitters: PubMed 23739125.

NM_000083.3(CLCN1):c.845C>G (p.Pro282Arg)

Gene: CLCN1 (chloride voltage-gated channel 1; plus strand). Cytogenetic location: 7q34.
Variant type: single nucleotide variant.
Coding change: c.845C>G on transcript NM_000083.3 (MANE Select); coding-DNA position 845, C replaced by G.
Protein change: p.Pro282Arg; replaces proline 282 with arginine.
Molecular consequence: missense variant. On other transcripts: non-coding transcript variant (1).
Genome position (GRCh38, 1-based): chr7:143,324,484, C>G. VCF-style: chr7-143324484-C-G. GRCh37 (hg19) VCF-style: chr7-143021577-C-G.
Other names: short protein forms P282R.
Identifiers: ClinVar variation 2925421 (VCV002925421.3), dbSNP rs2487043117, ClinGen allele CA369687610.
Genomic context (GRCh38, chr7:143,324,484, plus strand): 5'-ACTACTCTGATATCCTGACGGTGGGCTGTGCTGTGGGAGTCGGCTGTTGTTTTGGGACAC[C>G]ACTTGGAGGCAAGTGATTGACCCCCTCCCCCATCAATCGGCTTGCCTGGCCTGGCTCCCA-3'
Protein context (NP_000074.3, residues 272-292): AVGVGCCFGT[Pro282Arg]LGGVLFSIEV